The following is an entry in ClinVar:

NM_000520.6(HEXA):c.139C>T (p.Gln47Ter)

Gene: HEXA (hexosaminidase subunit alpha; minus strand). Cytogenetic location: 15q23.
Variant type: single nucleotide variant.
Coding change: c.139C>T on transcript NM_000520.6 (MANE Select); coding-DNA position 139, C replaced by T.
Protein change: p.Gln47Ter; replaces glutamine 47 with a stop codon.
Molecular consequence: nonsense. On other transcripts: non-coding transcript variant (1).
Genome position (GRCh38, 1-based): chr15:72,375,834, G>A on the plus strand (C>T on the coding strand, the complement: HEXA is on the minus strand). VCF-style: chr15-72375834-G-A. GRCh37 (hg19) VCF-style: chr15-72668175-G-A.
Other names: c.139C>T (NM_000520.5); c.139C>T, p.Gln47Ter (NM_001318825.2); short protein forms Q47*.
Identifiers: ClinVar variation 553832 (VCV000553832.13), dbSNP rs745996955, ClinGen allele CA7645101.

ClinVar aggregate classification (germline): Pathogenic/Likely pathogenic. Review status: criteria provided, multiple submitters, no conflicts (2 of 4 stars). 3 submissions from 3 submitters: Pathogenic (1); Likely pathogenic (1). 1 of the submissions does not count toward it. Last evaluated 2026-01-19.

Conditions:
Tay-Sachs disease (TSD). Also called: GM2 gangliosidosis, type 1; Hexosaminidase alpha-subunit deficiency (variant B); Sphingolipidosis, Tay-Sachs; HEXA DEFICIENCY; HEXA Disorders; Hexosaminidase A Deficiency. Identifiers: Orphanet 845, MedGen C0039373, MONDO:0010100, OMIM 272800.

Allele frequency attached by ClinVar (database versions not stated): gnomAD exomes below 0.00001 and 0.00001; ExAC 0.00001; gnomAD 0.00001; TOPMed 0.00002.

Submissions (3):

Labcorp Genetics (formerly Invitae), Labcorp
Classification: Pathogenic for Tay-Sachs disease. Last evaluated: 2026-01-19. Review status: criteria provided, single submitter. Criteria: Invitae Variant Classification Sherloc (09022015). Collection method: clinical testing. Allele origin: germline.
Comment: This sequence change creates a premature translational stop signal (p.Gln47*) in the HEXA gene. It is expected to result in an absent or disrupted protein product. Loss-of-function variants in HEXA are known to be pathogenic (PMID: 1833974, 8490625). This variant is present in population databases (rs745996955, gnomAD 0.007%). This premature translational stop signal has been observed in individual(s) with Tay-Sachs disease (PMID: 12180151). ClinVar contains an entry for this variant (Variation ID: 553832). For these reasons, this variant has been classified as Pathogenic.

Natera, Inc.
Classification: Likely pathogenic for Tay-Sachs disease. Last evaluated: 2026-01-13. Review status: criteria provided, single submitter. Criteria: Natera Variant Classification Schema (03/2026). Collection method: clinical testing. Allele origin: germline.
Comment: The c.139C>T variant in HEXA is a nonsense variant predicted to introduce a stop codon at amino acid 47. This variant is expected to result in nonsense mediated decay, truncation, or a dysfunctional protein product. This variant is rare in the general population with a frequency below the threshold expected for the associated phenotype(s). Given the available evidence, this variant is classified as Likely Pathogenic.

Counsyl
Classification: Likely pathogenic for Tay-Sachs disease. Last evaluated: 2017-09-13. Review status: no assertion criteria provided. Collection method: clinical testing. Allele origin: unknown. Not counted in ClinVar's aggregate classification.

Literature cited by the submitters: PubMed 1833974 (cited by Labcorp Genetics (formerly Invitae), Labcorp); PubMed 8490625 (cited by Labcorp Genetics (formerly Invitae), Labcorp); PubMed 12180151 (cited by Labcorp Genetics (formerly Invitae), Labcorp and Counsyl).